The following is an entry in ClinVar:

NM_001849.4(COL6A2):c.961C>T (p.Pro321Ser)

Gene: COL6A2 (collagen type VI alpha 2 chain; plus strand). Cytogenetic location: 21q22.3.
Variant type: single nucleotide variant.
Coding change: c.961C>T on transcript NM_001849.4 (MANE Select); coding-DNA position 961, C replaced by T.
Protein change: p.Pro321Ser; replaces proline 321 with serine.
Molecular consequence: missense variant.
Genome position (GRCh38, 1-based): chr21:46,116,776, C>T. VCF-style: chr21-46116776-C-T. GRCh37 (hg19) VCF-style: chr21-47536690-C-T.
Other names: c.961C>T, p.Pro321Ser (NM_058174.3, NM_058175.3); short protein forms P321S.
Identifiers: ClinVar variation 650916 (VCV000650916.12), dbSNP rs745678446, ClinGen allele CA10071595.

ClinVar aggregate classification (germline): Uncertain significance. Review status: criteria provided, multiple submitters, no conflicts (2 of 4 stars). 3 submissions from 3 submitters: Uncertain significance (3). Last evaluated 2026-01-12.

Conditions:
Bethlem myopathy 1A. Also called: Bethlem myopathy 1; MYOPATHY, BENIGN CONGENITAL, WITH CONTRACTURES; Bethlem Muscular Dystrophy. Identifiers: Orphanet 610, MedGen CN029274, MONDO:0024530, OMIM 158810.
Inborn genetic diseases. Identifiers: MedGen C0950123, MeSH D030342.

Allele frequency attached by ClinVar (database versions not stated): gnomAD exomes 0.00002 and 0.00004; ExAC 0.00006.
gnomAD v4.1: 33 of 1,613,066 alleles (0.002%); highest among the groups gnomAD compares: South Asian, 0.034%; 1 homozygote.

Submissions (3):

GeneDx
Classification: Uncertain significance. Last evaluated: 2026-01-12. Review status: criteria provided, single submitter. Criteria: GeneDx Variant Classification Process June 2021. Collection method: clinical testing. Allele origin: germline.
Comment: In silico analysis suggests that this missense variant does not alter protein structure/function; Has not been previously published as pathogenic or benign to our knowledge

Labcorp Genetics (formerly Invitae), Labcorp
Classification: Uncertain significance for Bethlem myopathy 1A. Last evaluated: 2025-10-14. Review status: criteria provided, single submitter. Criteria: Invitae Variant Classification Sherloc (09022015). Collection method: clinical testing. Allele origin: germline.
Comment: This sequence change replaces proline, which is neutral and non-polar, with serine, which is neutral and polar, at codon 321 of the COL6A2 protein (p.Pro321Ser). This variant is present in population databases (rs745678446, gnomAD 0.04%). This variant has not been reported in the literature in individuals affected with COL6A2-related conditions. ClinVar contains an entry for this variant (Variation ID: 650916). Invitae Evidence Modeling of protein sequence and biophysical properties (such as structural, functional, and spatial information, amino acid conservation, physicochemical variation, residue mobility, and thermodynamic stability) indicates that this missense variant is not expected to disrupt COL6A2 protein function with a negative predictive value of 80%. In summary, the available evidence is currently insufficient to determine the role of this variant in disease. Therefore, it has been classified as a Variant of Uncertain Significance.

Ambry Genetics
Classification: Uncertain significance for Inborn genetic diseases. Last evaluated: 2023-11-02. Review status: criteria provided, single submitter. Criteria: Ambry Variant Classification Scheme 2023. Collection method: clinical testing. Allele origin: germline.